The following is an entry in ClinVar:

NM_000388.4(CASR):c.1448G>C (p.Gly483Ala)

Gene: CASR (calcium sensing receptor; plus strand). Cytogenetic location: 3q21.1.
Variant type: single nucleotide variant.
Coding change: c.1448G>C on transcript NM_000388.4 (MANE Select); coding-DNA position 1448, G replaced by C.
Protein change: p.Gly483Ala; replaces glycine 483 with alanine.
Molecular consequence: missense variant.
Genome position (GRCh38, 1-based): chr3:122,275,882, G>C. VCF-style: chr3-122275882-G-C. GRCh37 (hg19) VCF-style: chr3-121994729-G-C.
Other names: c.1448G>C, p.Gly483Ala (NM_001178065.2); short protein forms G483A.
Identifiers: ClinVar variation 3756097 (VCV003756097.2).

ClinVar aggregate classification (germline): Uncertain significance (1 of 4 stars; one submission).

Conditions:
Familial hypocalciuric hypercalcemia (FHH). Also called: Familial benign hypercalcemia. Identifiers: Orphanet 405, MedGen C1809471, MONDO:0018458.
Autosomal dominant hypocalcemia 1 (HYPOC1). Also called: HYPOCALCEMIA, FAMILIAL. Identifiers: MedGen C3715128, MONDO:0011013, OMIM 601198.

Submission:

Labcorp Genetics (formerly Invitae), Labcorp
Classification: Uncertain significance for Familial hypocalciuric hypercalcemia; Autosomal dominant hypocalcemia 1. Last evaluated: 2024-04-29. Review status: criteria provided, single submitter. Criteria: Invitae Variant Classification Sherloc (09022015). Collection method: clinical testing. Allele origin: germline.
Comment: This sequence change replaces glycine, which is neutral and non-polar, with alanine, which is neutral and non-polar, at codon 483 of the CASR protein (p.Gly483Ala). This variant is not present in population databases (gnomAD no frequency). This variant has not been reported in the literature in individuals affected with CASR-related conditions. An algorithm developed to predict the effect of missense changes on protein structure and function (PolyPhen-2) suggests that this variant is likely to be tolerated. In summary, the available evidence is currently insufficient to determine the role of this variant in disease. Therefore, it has been classified as a Variant of Uncertain Significance.